The following is an entry in ClinVar:

NM_153240.5(NPHP3):c.60C>G (p.Tyr20Ter)

Genes: NPHP3-AS1 (NPHP3 antisense RNA 1; plus strand), NPHP3 (nephrocystin 3; minus strand), NPHP3-ACAD11 (NPHP3-ACAD11 readthrough (NMD candidate); minus strand), LOC129937586 (ATAC-STARR-seq lymphoblastoid silent region 14743; plus strand). Cytogenetic location: 3q22.1.
Variant type: single nucleotide variant.
Coding change: c.60C>G on transcript NM_153240.5 (MANE Select); coding-DNA position 60, C replaced by G.
Protein change: p.Tyr20Ter; replaces tyrosine 20 with a stop codon.
Molecular consequence: nonsense. On other transcripts: non-coding transcript variant (3).
Genome position (GRCh38, 1-based): chr3:132,722,296, G>C on the plus strand (C>G on the coding strand, the complement: NPHP3 is on the minus strand). VCF-style: chr3-132722296-G-C. GRCh37 (hg19) VCF-style: chr3-132441140-G-C.
Other names: short protein forms Y20*.
Identifiers: ClinVar variation 462730 (VCV000462730.12), dbSNP rs773521620, ClinGen allele CA354590113.

ClinVar aggregate classification (germline): Pathogenic. Review status: criteria provided, multiple submitters, no conflicts (2 of 4 stars). 2 submissions from 2 submitters: Pathogenic (2). Last evaluated 2025-11-23.

Conditions:
Nephronophthisis. Also called: Juvenile Nephronophthisis. Identifiers: Orphanet 655, MedGen C0687120, MONDO:0019005, HP:0000090.

Allele frequency attached by ClinVar (database versions not stated): TOPMed below 0.00001.
gnomAD v4.1: 25 of 1,579,752 alleles (0.0016%); highest among the groups gnomAD compares: Non-Finnish European, 0.002%; no homozygotes.

Submissions (2):

Labcorp Genetics (formerly Invitae), Labcorp
Classification: Pathogenic for Nephronophthisis. Last evaluated: 2025-11-23. Review status: criteria provided, single submitter. Criteria: Invitae Variant Classification Sherloc (09022015). Collection method: clinical testing. Allele origin: germline.
Comment: This sequence change creates a premature translational stop signal (p.Tyr20*) in the NPHP3 gene. It is expected to result in an absent or disrupted protein product. Loss-of-function variants in NPHP3 are known to be pathogenic (PMID: 18371931, 23559409). This variant is not present in population databases (gnomAD no frequency). This variant has not been reported in the literature in individuals affected with NPHP3-related conditions. ClinVar contains an entry for this variant (Variation ID: 462730). For these reasons, this variant has been classified as Pathogenic.

Revvity Omics, Revvity
Classification: Pathogenic. Last evaluated: 2020-03-26. Review status: criteria provided, single submitter. Criteria: ACMG Guidelines, 2015. Collection method: clinical testing. Allele origin: germline.

Literature cited by the submitters: PubMed 18371931 (cited by Labcorp Genetics (formerly Invitae), Labcorp); PubMed 23559409 (cited by Labcorp Genetics (formerly Invitae), Labcorp).